The following is an entry in ClinVar:

ClinVar aggregate classification (germline): Uncertain significance (1 of 4 stars; one submission).

Conditions:
Catecholaminergic polymorphic ventricular tachycardia 1. Also called: VENTRICULAR TACHYCARDIA, STRESS-INDUCED POLYMORPHIC 1; VENTRICULAR TACHYCARDIA, CATECHOLAMINERGIC POLYMORPHIC, 1, WITH OR WITHOUT ATRIAL DYSFUNCTION AND/OR DILATED CARDIOMYOPATHY; RYR2-Related Catecholaminergic Polymorphic Ventricular Tachycardia. Identifiers: Orphanet 3286, MedGen C1631597, MONDO:0011484, OMIM 604772.

gnomAD v4.1: 1 of 1,613,234 alleles (0.000062%); highest among the groups gnomAD compares: Non-Finnish European, 0.000085%; no homozygotes.

Submission:

Labcorp Genetics (formerly Invitae), Labcorp
Classification: Uncertain significance for Catecholaminergic polymorphic ventricular tachycardia 1. Last evaluated: 2024-05-21. Review status: criteria provided, single submitter. Criteria: Invitae Variant Classification Sherloc (09022015). Collection method: clinical testing. Allele origin: germline.
Comment: This sequence change creates a premature translational stop signal (p.Gln2157*) in the RYR2 gene. It is expected to result in an absent or disrupted protein product. However, the current clinical and genetic evidence is not sufficient to establish whether loss-of-function variants in RYR2 cause disease. This variant is not present in population databases (gnomAD no frequency). This variant has not been reported in the literature in individuals affected with RYR2-related conditions. Algorithms developed to predict the effect of sequence changes on RNA splicing suggest that this variant may disrupt the consensus splice site. In summary, the available evidence is currently insufficient to determine the role of this variant in disease. Therefore, it has been classified as a Variant of Uncertain Significance.

NM_001035.3(RYR2):c.6469C>T (p.Gln2157Ter)

Gene: RYR2 (ryanodine receptor 2; plus strand). Cytogenetic location: 1q43.
Variant type: single nucleotide variant.
Coding change: c.6469C>T on transcript NM_001035.3 (MANE Select); coding-DNA position 6469, C replaced by T.
Protein change: p.Gln2157Ter; replaces glutamine 2157 with a stop codon.
Molecular consequence: nonsense.
Genome position (GRCh38, 1-based): chr1:237,631,455, C>T. VCF-style: chr1-237631455-C-T. GRCh37 (hg19) VCF-style: chr1-237794755-C-T.
Other names: short protein forms Q2157*.
Identifiers: ClinVar variation 3723899 (VCV003723899.2).